The following is an entry in ClinVar:

ClinVar aggregate classification (germline): Benign (0 of 4 stars; one submission).

Conditions:
BMS1-related disorder. Also called: BMS1-related condition.

Allele frequency attached by ClinVar (database versions not stated): gnomAD exomes 0.04095; ExAC 0.06085; ESP Exome Variant Server 0.07335; gnomAD 0.07520; TOPMed 0.08756; 1000 Genomes Project 0.09864; 1000 Genomes Project 30x 0.10072.
gnomAD v4.1: 71,502 of 1,611,578 alleles (4.4%); highest among the groups gnomAD compares: Admixed American, 16%; 2,796 homozygotes.

Submission:

PreventionGenetics, part of Exact Sciences
Classification: Benign for BMS1-related condition. Last evaluated: 2019-10-31. Review status: no assertion criteria provided. Collection method: clinical testing. Allele origin: germline.
Comment: This variant is classified as benign based on ACMG/AMP sequence variant interpretation guidelines (Richards et al. 2015 PMID: 25741868, with internal and published modifications).

NM_014753.4(BMS1):c.1197G>A (p.Lys399=)

Gene: BMS1 (BMS1 ribosome biogenesis factor; plus strand). Cytogenetic location: 10q11.21.
Variant type: single nucleotide variant.
Coding change: c.1197G>A on transcript NM_014753.4 (MANE Select); coding-DNA position 1197, G replaced by A.
Protein change: p.Lys399=; no amino-acid change (lysine 399 retained).
Molecular consequence: synonymous variant.
Genome position (GRCh38, 1-based): chr10:42,793,959, G>A. VCF-style: chr10-42793959-G-A. GRCh37 (hg19) VCF-style: chr10-43289407-G-A.
Identifiers: ClinVar variation 3060154 (VCV003060154.2), dbSNP rs7921071, ClinGen allele CA5475678.
Genomic context (GRCh38, chr10:42,793,959, plus strand): 5'-CCACTCCACCATTGATGCCAAGATGGCTTCAAGTCGAGTGACGCTGTTTTCTGATTCCAA[G>A]CCACTTGGGTCAGAGGATATAGATAATCAAGGGTAAGTCTGCTTTTTTTCTATTTTTAAT-3'
Protein context (NP_055568.3, residues 389-409): SSRVTLFSDS[Lys399=]PLGSEDIDNQ